The following is an entry in ClinVar:

NM_207346.3(TSEN54):c.623+4A>G

Gene: TSEN54 (tRNA splicing endonuclease subunit 54; plus strand). Cytogenetic location: 17q25.1.
Variant type: single nucleotide variant.
Coding change: c.623+4A>G on transcript NM_207346.3 (MANE Select); 4 bases into the intron after coding-DNA position 623, A replaced by G.
Molecular consequence: intron variant.
Genome position (GRCh38, 1-based): chr17:75,521,514, A>G. VCF-style: chr17-75521514-A-G. GRCh37 (hg19) VCF-style: chr17-73517595-A-G.
Identifiers: ClinVar variation 1352609 (VCV001352609.6), dbSNP rs1346057234, ClinGen allele CA627594329.

ClinVar aggregate classification (germline): Uncertain significance (1 of 4 stars; one submission).

Allele frequency attached by ClinVar (database versions not stated): gnomAD exomes 0.00001 and 0.00004; gnomAD 0.00015 and 0.00016; TOPMed 0.00020.
gnomAD v4.1: 33 of 1,613,620 alleles (0.002%); highest among the groups gnomAD compares: Admixed American, 0.055%; no homozygotes.

Submission:

Labcorp Genetics (formerly Invitae), Labcorp
Classification: Uncertain significance. Last evaluated: 2024-05-22. Review status: criteria provided, single submitter. Criteria: Invitae Variant Classification Sherloc (09022015). Collection method: clinical testing. Allele origin: germline.
Comment: This sequence change falls in intron 7 of the TSEN54 gene. It does not directly change the encoded amino acid sequence of the TSEN54 protein. It affects a nucleotide within the consensus splice site. This variant is present in population databases (no rsID available, gnomAD 0.03%). This variant has not been reported in the literature in individuals affected with TSEN54-related conditions. ClinVar contains an entry for this variant (Variation ID: 1352609). Variants that disrupt the consensus splice site are a relatively common cause of aberrant splicing (PMID: 17576681, 9536098). Algorithms developed to predict the effect of sequence changes on RNA splicing suggest that this variant may disrupt the consensus splice site. In summary, the available evidence is currently insufficient to determine the role of this variant in disease. Therefore, it has been classified as a Variant of Uncertain Significance.

Literature cited by the submitters: PubMed 17576681; PubMed 9536098.